The following is an entry in ClinVar:

NM_005655.4(KLF10):c.646A>G (p.Thr216Ala)

Gene: KLF10 (KLF transcription factor 10; minus strand). Cytogenetic location: 8q22.3.
Variant type: single nucleotide variant.
Coding change: c.646A>G on transcript NM_005655.4 (MANE Select); coding-DNA position 646, A replaced by G.
Protein change: p.Thr216Ala; replaces threonine 216 with alanine.
Molecular consequence: missense variant.
Genome position (GRCh38, 1-based): chr8:102,651,686, T>C on the plus strand (A>G on the coding strand, the complement: KLF10 is on the minus strand). VCF-style: chr8-102651686-T-C. GRCh37 (hg19) VCF-style: chr8-103663914-T-C.
Other names: c.613A>G, p.Thr205Ala (NM_001032282.4); short protein forms T205A, T216A.
Identifiers: ClinVar variation 1463812 (VCV001463812.6), dbSNP rs146181228, ClinGen allele CA4833564.

ClinVar aggregate classification (germline): Uncertain significance (1 of 4 stars; one submission).

Allele frequency attached by ClinVar (database versions not stated): ExAC 0.00005; TOPMed 0.00014; gnomAD 0.00011; gnomAD exomes 0.00007 and 0.00030.

Submission:

Labcorp Genetics (formerly Invitae), Labcorp
Classification: Uncertain significance. Last evaluated: 2025-10-10. Review status: criteria provided, single submitter. Criteria: Invitae Variant Classification Sherloc (09022015). Collection method: clinical testing. Allele origin: germline.
Comment: This sequence change replaces threonine, which is neutral and polar, with alanine, which is neutral and non-polar, at codon 216 of the KLF10 protein (p.Thr216Ala). This variant is present in population databases (rs146181228, gnomAD 0.02%). This missense change has been observed in individual(s) with hypertrophic cardiomyopathy (PMID: 22234868). ClinVar contains an entry for this variant (Variation ID: 1463812). An algorithm developed to predict the effect of missense changes on protein structure and function outputs the following: PolyPhen-2: "Benign". The alanine amino acid residue is found in multiple mammalian species, which suggests that this missense change does not adversely affect protein function. Experimental studies are conflicting or provide insufficient evidence to determine the effect of this variant on KLF10 function (PMID: 22234868). In summary, the available evidence is currently insufficient to determine the role of this variant in disease. Therefore, it has been classified as a Variant of Uncertain Significance.

Literature cited by the submitters: PubMed 22234868.